The following is an entry in ClinVar:

NM_001394372.1(BICRA):c.454G>A (p.Val152Met)

Gene: BICRA (BRD4 interacting chromatin remodeling complex associated protein; plus strand). Cytogenetic location: 19q13.33.
Variant type: single nucleotide variant.
Coding change: c.454G>A on transcript NM_001394372.1 (MANE Select); coding-DNA position 454, G replaced by A.
Protein change: p.Val152Met; replaces valine 152 with methionine.
Molecular consequence: missense variant.
Genome position (GRCh38, 1-based): chr19:47,679,624, G>A. VCF-style: chr19-47679624-G-A. GRCh37 (hg19) VCF-style: chr19-48182881-G-A.
Other names: c.454G>A, p.Val152Met (NM_015711.3); short protein forms V152M.
Identifiers: ClinVar variation 3339591 (VCV003339591.1).

ClinVar aggregate classification (germline): Uncertain significance (1 of 4 stars; one submission).

gnomAD v4.1: 23 of 1,515,000 alleles (0.0015%); highest among the groups gnomAD compares: South Asian, 0.0038%; no homozygotes.

Submission:

Women's Health and Genetics/Laboratory Corporation of America, LabCorp
Classification: Uncertain significance. Last evaluated: 2024-06-12. Review status: criteria provided, single submitter. Criteria: LabCorp Variant Classification Summary - May 2015. Collection method: clinical testing. Allele origin: germline.
Comment: Variant summary: BICRA c.454G>A (p.Val152Met) results in a conservative amino acid change in the encoded protein sequence. Five of five in-silico tools predict a benign effect of the variant on protein function. The variant allele was found at a frequency of 1.5e-05 in 1515000 control chromosomes, predominantly at a frequency of 3.8e-05 within the South Asian subpopulation in the gnomAD database (v4.0.0). The available data on variant occurrences in the general population are insufficient to allow any conclusion about variant significance. To our knowledge, no occurrence of c.454G>A in individuals affected with Coffin-Siris Syndrome 12 and no experimental evidence demonstrating its impact on protein function have been reported. No submitters have cited clinical-significance assessments for this variant to ClinVar. Based on the evidence outlined above, the variant was classified as uncertain significance.